The following is an entry in ClinVar:

NM_053025.4(MYLK):c.1486_1487delinsGC (p.Leu496Ala)

Gene: MYLK (myosin light chain kinase; minus strand). Cytogenetic location: 3q21.1.
Variant type: Indel.
Coding change: c.1486_1487delinsGC on transcript NM_053025.4 (MANE Select); coding-DNA positions 1486 to 1487, CT replaced by GC.
Protein change: p.Leu496Ala; replaces leucine 496 with alanine.
Molecular consequence: missense variant. On other transcripts: intron variant (2).
Genome position (GRCh38, 1-based): chr3:123,732,925-123,732,926, AG replaced by GC on the plus strand (CT replaced by GC on the coding strand, the reverse complement: MYLK is on the minus strand). VCF-style: chr3-123732925-AG-GC. GRCh37 (hg19) VCF-style: chr3-123451772-AG-GC.
Other names: c.1486_1487delCTinsGC (NM_053025.3); c.958_959delinsGC, p.Leu320Ala (NM_001321309.2); c.1486_1487delinsGC, p.Leu496Ala (NM_053027.4); c.1309+761_1309+762delinsGC (NM_053028.4, NM_053026.4); short protein forms L320A, L496A.
Identifiers: ClinVar variation 3363406 (VCV003363406.3).

ClinVar aggregate classification (germline): Uncertain significance. Review status: criteria provided, multiple submitters, no conflicts (2 of 4 stars). 2 submissions from 2 submitters: Uncertain significance (2). Last evaluated 2026-03-18.

Conditions:
Familial thoracic aortic aneurysm and aortic dissection (TAAD). Also called: Thoracic aortic aneurysms and dissections. Identifiers: Orphanet 91387, MedGen C4707243, MONDO:0019625.

Submissions (2):

GeneDx
Classification: Uncertain significance. Last evaluated: 2026-03-18. Review status: criteria provided, single submitter. Criteria: GeneDx Variant Classification Process June 2021. Collection method: clinical testing. Allele origin: germline.
Comment: Not observed at significant frequency in large population cohorts (gnomAD); In silico analysis suggests that this variant does not alter protein structure/function; Has not been previously published as pathogenic or benign to our knowledge

Ambry Genetics
Classification: Uncertain significance for Familial thoracic aortic aneurysm and aortic dissection. Last evaluated: 2026-02-18. Review status: criteria provided, single submitter. Criteria: Ambry Variant Classification Scheme 2023. Collection method: clinical testing. Allele origin: germline.
Comment: The c.1486_1487delCTinsGC variant (also known as p.L496A), located in coding exon 8 of the MYLK gene, results from an in-frame deletion of CT and insertion of GC at nucleotide positions 1486 to 1487. This results in the substitution of the leucine residue for an alanine residue at codon 496, an amino acid with similar properties. This amino acid position is poorly conserved in available vertebrate species. Based on the available evidence, the clinical significance of this variant remains unclear.